The following is an entry in ClinVar:

ClinVar aggregate classification (germline): Pathogenic. Review status: criteria provided, multiple submitters, no conflicts (2 of 4 stars). 4 submissions from 4 submitters: Pathogenic (3). 1 of the submissions does not count toward it. Last evaluated 2024-05-04.

Conditions:
FMO3 activity, decreased. Identifiers: MedGen C4016100.
Trimethylaminuria (TMAU). Also called: Primary Trimethylaminuria; FISH-ODOR SYNDROME; Fish malodor syndrome; Stale fish syndrome; TMAuria. Identifiers: MedGen C0342739, MONDO:0011182, OMIM 602079, HP:0003614. Disease mechanism: loss of function.

Allele frequency attached by ClinVar (database versions not stated): TOPMed 0.00003.
gnomAD v4.1: 3 of 1,613,736 alleles (0.00019%); highest among the groups gnomAD compares: East Asian, 0.0067%; no homozygotes.

Submissions (4):

Myriad Genetics, Inc.
Classification: Pathogenic for Trimethylaminuria. Last evaluated: 2024-05-04. Review status: criteria provided, single submitter. Criteria: Myriad Autosomal Dominant, Autosomal Recessive and X-Linked Classification Criteria (2023). Collection method: clinical testing. Allele origin: unknown.
Comment: NM_001002294.2(FMO3):c.442G>T(G148*) is expected to be pathogenic in the context of primary trimethylaminuria. This variant is predicted to lead to an abnormal or absent protein product due to the creation of a premature termination codon in FMO3, a gene where loss-of-function variants are known to be pathogenic. Please note: this variant was assessed in the context of healthy population screening.

Labcorp Genetics (formerly Invitae), Labcorp
Classification: Pathogenic. Last evaluated: 2024-02-24. Review status: criteria provided, single submitter. Criteria: Invitae Variant Classification Sherloc (09022015). Collection method: clinical testing. Allele origin: germline.
Comment: This sequence change creates a premature translational stop signal (p.Gly148*) in the FMO3 gene. It is expected to result in an absent or disrupted protein product. Loss-of-function variants in FMO3 are known to be pathogenic (PMID: 20301282). This variant is present in population databases (rs72549325, gnomAD 0.006%). This premature translational stop signal has been observed in individual(s) with trimethylaminuria (PMID: 33831674). ClinVar contains an entry for this variant (Variation ID: 16310). Algorithms developed to predict the effect of sequence changes on RNA splicing suggest that this variant may disrupt the consensus splice site. For these reasons, this variant has been classified as Pathogenic.

Juno Genomics, Hangzhou Juno Genomics, Inc
Classification: Pathogenic for Trimethylaminuria. Review status: criteria provided, single submitter. Criteria: ACMG Guidelines, 2015. Collection method: clinical testing. Allele origin: germline. Affected: yes.
Comment: Absent from controls (or at extremely low frequency if recessive) in Genome Aggregation Database.;Null variant in a gene where loss of function (LOF) is a known mechanism of disease.;For recessive disorders, detected in trans with a pathogenic variant.

OMIM
Classification: Pathogenic for FMO3 ACTIVITY, DECREASED. Last evaluated: 1999-04-01. Review status: no assertion criteria provided. Collection method: literature only. Allele origin: germline. Not counted in ClinVar's aggregate classification.

Literature cited by the submitters: PubMed 20301282 (cited by Labcorp Genetics (formerly Invitae), Labcorp); PubMed 33831674 (cited by Labcorp Genetics (formerly Invitae), Labcorp); PubMed 10376762 (cited by OMIM).

NM_001002294.3(FMO3):c.442G>T (p.Gly148Ter)

Genes: FMO3 (flavin containing dimethylaniline monoxygenase 3; plus strand), LOC126805916 (BRD4-independent group 4 enhancer GRCh37_chr1:171076844-171078043; plus strand). Cytogenetic location: 1q24.3.
Variant type: single nucleotide variant.
Coding change: c.442G>T on transcript NM_001002294.3 (MANE Select); coding-DNA position 442, G replaced by T.
Protein change: p.Gly148Ter; replaces glycine 148 with a stop codon.
Molecular consequence: nonsense.
Genome position (GRCh38, 1-based): chr1:171,107,795, G>T. VCF-style: chr1-171107795-G-T. GRCh37 (hg19) VCF-style: chr1-171076936-G-T.
Other names: c.382G>T, p.Gly128Ter (NM_001319173.2); c.253G>T, p.Gly85Ter (NM_001319174.2); c.442G>T, p.Gly148Ter (NM_006894.6); short protein forms G148*, G85*, G128*.
Identifiers: ClinVar variation 16310 (VCV000016310.6), dbSNP rs72549325, ClinGen allele CA126357.